The following is an entry in ClinVar:

ClinVar aggregate classification (germline): Pathogenic. Review status: criteria provided, single submitter (1 of 4 stars). 3 submissions from 3 submitters: Pathogenic (1). 2 of the submissions do not count toward it. Last evaluated 2026-07-01.

Submissions (3):

CeGaT Center for Human Genetics Tuebingen
Classification: Pathogenic. Last evaluated: 2026-07-01. Review status: criteria provided, single submitter. Criteria: CeGaT Center For Human Genetics Tuebingen Variant Classification Criteria Version 2. Collection method: clinical testing. Allele origin: germline. Affected: yes. Observed: 1 variant allele.
Comment: FLNA: PVS1, PM2, PS4:Supporting

Genome Diagnostics Laboratory, Amsterdam University Medical Center
Classification: Pathogenic. Review status: no assertion criteria provided. Collection method: clinical testing. Allele origin: germline. Affected: yes. Study: VKGL Data-share Consensus. Not counted in ClinVar's aggregate classification.

Joint Genome Diagnostic Labs from Nijmegen and Maastricht, Radboudumc and MUMC+
Classification: Pathogenic. Review status: no assertion criteria provided. Collection method: clinical testing. Allele origin: germline. Affected: yes. Study: VKGL Data-share Consensus. Not counted in ClinVar's aggregate classification.

NM_001110556.2(FLNA):c.5159dup (p.Tyr1720Ter)

Gene: FLNA (filamin A; minus strand). Cytogenetic location: Xq28.
Variant type: Duplication.
Coding change: c.5159dup on transcript NM_001110556.2 (MANE Select); coding-DNA position 5159, one base duplicated (A; older notation c.5159dupA).
Protein change: p.Tyr1720Ter; replaces tyrosine 1720 with a stop codon.
Molecular consequence: nonsense.
Genome position (GRCh38, 1-based): chrX:154,354,883, T duplicated on the plus strand (A on the coding strand, the reverse complement: FLNA is on the minus strand). VCF-style (leftmost placement, unchanged base first): chrX-154354882-G-GT. GRCh37 (hg19) VCF-style: chrX-153583250-G-GT.
Other names: c.5135dup, p.Tyr1712Ter (NM_001456.4); short protein forms Y1712*, Y1720*.
Identifiers: ClinVar variation 1209882 (VCV001209882.4), dbSNP rs2148107418, ClinGen allele CA2499226486.